The following is an entry in ClinVar:

ClinVar aggregate classification (germline): Uncertain significance (1 of 4 stars; one submission).

Submission:

Labcorp Genetics (formerly Invitae), Labcorp
Classification: Uncertain significance. Last evaluated: 2023-11-27. Review status: criteria provided, single submitter. Criteria: Invitae Variant Classification Sherloc (09022015). Collection method: clinical testing. Allele origin: germline.
Comment: This sequence change replaces aspartic acid, which is acidic and polar, with valine, which is neutral and non-polar, at codon 258 of the AAGAB protein (p.Asp258Val). This variant is not present in population databases (gnomAD no frequency). This variant has not been reported in the literature in individuals affected with AAGAB-related conditions. ClinVar contains an entry for this variant (Variation ID: 2096600). An algorithm developed to predict the effect of missense changes on protein structure and function (PolyPhen-2) suggests that this variant is likely to be disruptive. In summary, the available evidence is currently insufficient to determine the role of this variant in disease. Therefore, it has been classified as a Variant of Uncertain Significance.

NM_024666.5(AAGAB):c.773A>T (p.Asp258Val)

Gene: AAGAB (alpha and gamma adaptin binding protein; minus strand). Cytogenetic location: 15q23.
Variant type: single nucleotide variant.
Coding change: c.773A>T on transcript NM_024666.5 (MANE Select); coding-DNA position 773, A replaced by T.
Protein change: p.Asp258Val; replaces aspartic acid 258 with valine.
Molecular consequence: missense variant.
Genome position (GRCh38, 1-based): chr15:67,204,091, T>A on the plus strand (A>T on the coding strand, the complement: AAGAB is on the minus strand). VCF-style: chr15-67204091-T-A. GRCh37 (hg19) VCF-style: chr15-67496429-T-A.
Other names: c.446A>T, p.Asp149Val (NM_001271885.2, NM_001271886.2); short protein forms D149V, D258V.
Identifiers: ClinVar variation 2096600 (VCV002096600.4), dbSNP rs1963630662, ClinGen allele CA392960462.